The following is an entry in ClinVar:

NM_177924.5(ASAH1):c.208del (p.Ala70fs)

Gene: ASAH1 (N-acylsphingosine amidohydrolase 1; minus strand). Cytogenetic location: 8p22.
Variant type: Deletion.
Coding change: c.208del on transcript NM_177924.5 (MANE Select); coding-DNA position 208, one base deleted (G; older notation c.208delG).
Protein change: p.Ala70fs; shifts the reading frame from alanine 70.
Molecular consequence: frameshift variant.
Genome position (GRCh38, 1-based): chr8:18,071,308, C deleted on the plus strand (G on the coding strand, the reverse complement: ASAH1 is on the minus strand); the first of 2 consecutive C bases (chr8:18,071,308-18,071,309); deleting either gives the same sequence. VCF-style (leftmost placement, unchanged base first): chr8-18071307-GC-G. GRCh37 (hg19) VCF-style: chr8-17928816-GC-G.
Other names: c.277del, p.Ala93fs (NM_001127505.3); c.13del, p.Ala5fs (NM_001363743.2); c.256del, p.Ala86fs (NM_004315.6); short protein forms A5fs, A86fs, A70fs, A93fs.
Identifiers: ClinVar variation 2088721 (VCV002088721.4), dbSNP rs2537962478, ClinGen allele CA2580078029.

ClinVar aggregate classification (germline): Pathogenic (1 of 4 stars; one submission).

Submission:

Labcorp Genetics (formerly Invitae), Labcorp
Classification: Pathogenic. Last evaluated: 2023-08-04. Review status: criteria provided, single submitter. Criteria: Invitae Variant Classification Sherloc (09022015). Collection method: clinical testing. Allele origin: germline.
Comment: This variant is not present in population databases (gnomAD no frequency). This sequence change creates a premature translational stop signal (p.Ala70Hisfs*4) in the ASAH1 gene. It is expected to result in an absent or disrupted protein product. Loss-of-function variants in ASAH1 are known to be pathogenic (PMID: 24164096, 24355074). This variant has not been reported in the literature in individuals affected with ASAH1-related conditions. For these reasons, this variant has been classified as Pathogenic. ClinVar contains an entry for this variant (Variation ID: 2088721).

Literature cited by the submitters: PubMed 24164096; PubMed 24355074.